The following is an entry in ClinVar:

ClinVar aggregate classification (germline): Uncertain significance. Review status: criteria provided, multiple submitters, no conflicts (2 of 4 stars). 2 submissions from 2 submitters: Uncertain significance (2). Last evaluated 2026-05-19.

Conditions:
Hereditary cancer-predisposing syndrome. Also called: Tumor predisposition; Hereditary neoplastic syndrome; Neoplastic Syndromes, Hereditary; Hereditary Cancer Syndrome. Identifiers: Orphanet 140162, MedGen C0027672, MeSH D009386, MONDO:0015356.
Rhabdoid tumor predisposition syndrome 2 (RTPS2). Identifiers: Orphanet 231108, Orphanet 69077, MedGen C2750074, MONDO:0013224, OMIM 613325.

Submissions (2):

Ambry Genetics
Classification: Uncertain significance for Hereditary cancer-predisposing syndrome. Last evaluated: 2026-05-19. Review status: criteria provided, single submitter. Criteria: Ambry Variant Classification Scheme 2023. Collection method: clinical testing. Allele origin: germline.
Comment: The c.4983_4984delTGinsCA variant, located in coding exon 34 of the SMARCA4 gene, results from an in-frame deletion of TG and insertion of CA at nucleotide positions 4983 to 4984. This results in the substitution of the aspartic acid residue for an asparagine residue at codon 1662, an amino acid with highly similar properties. This amino acid position is highly conserved in available vertebrate species. In addition, this alteration is predicted to be tolerated by in silico analysis. Since supporting evidence is limited at this time, the clinical significance of this alteration remains unclear.

Labcorp Genetics (formerly Invitae), Labcorp
Classification: Uncertain significance for Rhabdoid tumor predisposition syndrome 2. Last evaluated: 2024-11-09. Review status: criteria provided, single submitter. Criteria: Invitae Variant Classification Sherloc (09022015). Collection method: clinical testing. Allele origin: germline.
Comment: This sequence change replaces aspartic acid, which is acidic and polar, with asparagine, which is neutral and polar, at codon 1662 of the SMARCA4 protein (p.Asp1662Asn). Information on the frequency of this variant in the gnomAD database is not available, as this variant may be reported differently in the database. This variant has not been reported in the literature in individuals affected with SMARCA4-related conditions. ClinVar contains an entry for this variant (Variation ID: 470429). Experimental studies and prediction algorithms are not available or were not evaluated, and the functional significance of this variant is currently unknown. In summary, the available evidence is currently insufficient to determine the role of this variant in disease. Therefore, it has been classified as a Variant of Uncertain Significance.

NM_003072.5(SMARCA4):c.4887_4888inv (p.Asp1630Asn)

Gene: SMARCA4 (SWI/SNF related BAF chromatin remodeling complex subunit ATPase 4; plus strand). Cytogenetic location: 19p13.2.
Variant type: Inversion.
Coding change: c.4887_4888inv on transcript NM_003072.5 (MANE Select).
Protein change: p.Asp1630Asn; replaces aspartic acid 1630 with asparagine.
Molecular consequence: missense variant. On other transcripts: non-coding transcript variant (1).
Genome position: GRCh38 VCF-style: chr19-11060163-TG-CA. GRCh37 (hg19) VCF-style: chr19-11170839-TG-CA.
Other names: c.4983_4984delTGinsCA (NM_001128849.1); c.4887_4888inv, p.Asp1630Asn (NM_001128844.3); c.4797_4798inv, p.Asp1600Asn (NM_001128845.2); c.4794_4795inv, p.Asp1599Asn (NM_001128846.2); c.4788_4789inv, p.Asp1597Asn (NM_001128847.4, NM_001374457.1); c.4785_4786inv, p.Asp1596Asn (NM_001128848.2); c.4983_4984inv, p.Asp1662Asn (NM_001128849.3, NM_001387283.1); short protein forms D1597N, D1599N, D1630N, D1596N, D1600N, D1662N.
Identifiers: ClinVar variation 470429 (VCV000470429.12), ClinGen allele CA658658778.